The following is an entry in ClinVar:

NM_001256789.3(CACNA1F):c.4649T>C (p.Met1550Thr)

Genes: CACNA1F (calcium voltage-gated channel subunit alpha1 F; minus strand), LOC126863257 (BRD4-independent group 4 enhancer GRCh37_chrX:49065732-49066931; plus strand). Cytogenetic location: Xp11.23.
Variant type: single nucleotide variant.
Coding change: c.4649T>C on transcript NM_001256789.3 (MANE Select); coding-DNA position 4649, T replaced by C.
Protein change: p.Met1550Thr; replaces methionine 1550 with threonine.
Molecular consequence: missense variant.
Genome position (GRCh38, 1-based): chrX:49,209,982, A>G on the plus strand (T>C on the coding strand, the complement: CACNA1F is on the minus strand). VCF-style: chrX-49209982-A-G. GRCh37 (hg19) VCF-style: chrX-49066442-A-G.
Other names: c.4487T>C, p.Met1496Thr (NM_001256790.3); c.4682T>C, p.Met1561Thr (NM_005183.4); short protein forms M1496T, M1550T, M1561T.
Identifiers: ClinVar variation 1362009 (VCV001362009.8), dbSNP rs782116244, ClinGen allele CA412960533.

ClinVar aggregate classification (germline): Uncertain significance (1 of 4 stars; one submission).

Submission:

Labcorp Genetics (formerly Invitae), Labcorp
Classification: Uncertain significance. Last evaluated: 2024-10-23. Review status: criteria provided, single submitter. Criteria: Invitae Variant Classification Sherloc (09022015). Collection method: clinical testing. Allele origin: germline.
Comment: This sequence change replaces methionine, which is neutral and non-polar, with threonine, which is neutral and polar, at codon 1561 of the CACNA1F protein (p.Met1561Thr). This variant is not present in population databases (gnomAD no frequency). This variant has not been reported in the literature in individuals affected with CACNA1F-related conditions. ClinVar contains an entry for this variant (Variation ID: 1362009). Invitae Evidence Modeling of protein sequence and biophysical properties (such as structural, functional, and spatial information, amino acid conservation, physicochemical variation, residue mobility, and thermodynamic stability) indicates that this missense variant is not expected to disrupt CACNA1F protein function with a negative predictive value of 80%. In summary, the available evidence is currently insufficient to determine the role of this variant in disease. Therefore, it has been classified as a Variant of Uncertain Significance.